The following is an entry in ClinVar:

NM_000044.6(AR):c.1605C>A (p.Tyr535Ter)

Gene: AR (androgen receptor; plus strand). Cytogenetic location: Xq12.
Variant type: single nucleotide variant.
Coding change: c.1605C>A on transcript NM_000044.6 (MANE Select); coding-DNA position 1605, C replaced by A.
Protein change: p.Tyr535Ter; replaces tyrosine 535 with a stop codon.
Molecular consequence: nonsense. On other transcripts: 5 prime UTR variant (1).
Genome position (GRCh38, 1-based): chrX:67,546,751, C>A. VCF-style: chrX-67546751-C-A. GRCh37 (hg19) VCF-style: chrX-66766593-C-A.
Other names: c.-179C>A (NM_001011645.3); c.1605C>A, p.Tyr535Ter (NM_001348061.1, NM_001348063.1, NM_001348064.1); short protein forms Y535*.
Identifiers: ClinVar variation 488928 (VCV000488928.1), dbSNP rs1555970042, ClinGen allele CA413427906.

ClinVar aggregate classification (germline): Pathogenic (1 of 4 stars; one submission).

Submission:

GeneDx
Classification: Pathogenic. Last evaluated: 2017-11-22. Review status: criteria provided, single submitter. Criteria: GeneDx Variant Classification (06012015). Collection method: clinical testing. Allele origin: germline. Affected: yes.
Comment: The Y535X nonsense variant in the AR gene has been reported previously in association with androgen insensitivity syndrome (Doehnert et al., 2015). This pathogenic variant is predicted to cause loss of normal protein function either through protein truncation or nonsense-mediated mRNA decay. Furthermore, the Y535X variant is not observed in large population cohorts (Lek et al., 2016).